The following is an entry in ClinVar:

ClinVar aggregate classification (germline): Pathogenic (1 of 4 stars; one submission).

Submission:

Labcorp Genetics (formerly Invitae), Labcorp
Classification: Pathogenic. Last evaluated: 2024-05-07. Review status: criteria provided, single submitter. Criteria: Invitae Variant Classification Sherloc (09022015). Collection method: clinical testing. Allele origin: germline.
Comment: This sequence change creates a premature translational stop signal (p.Val430Phefs*12) in the TET2 gene. It is expected to result in an absent or disrupted protein product. Loss-of-function variants in TET2 are known to be pathogenic (PMID: 36066697). This variant is not present in population databases (gnomAD no frequency). This variant has not been reported in the literature in individuals affected with TET2-related conditions. For these reasons, this variant has been classified as Pathogenic.

Literature cited by the submitters: PubMed 36066697.

NM_001127208.3(TET2):c.1287_1288del (p.Val430fs)

Genes: TET2 (tet methylcytosine dioxygenase 2; plus strand), TET2-AS1 (TET2 antisense RNA 1; minus strand). Cytogenetic location: 4q24.
Variant type: Deletion.
Coding change: c.1287_1288del on transcript NM_001127208.3 (MANE Select); coding-DNA positions 1287 to 1288, 2 bases deleted (AG; older notation c.1287_1288delAG).
Protein change: p.Val430fs; shifts the reading frame from valine 430.
Molecular consequence: frameshift variant.
Genome position (GRCh38, 1-based): chr4:105,235,229-105,235,230, AG deleted; deleting any 2 consecutive bases within chr4:105,235,228-105,235,230 gives the same sequence; the c. name uses the placement nearest the transcript's 3' end. VCF-style (leftmost placement, unchanged base first): chr4-105235227-GGA-G. GRCh37 (hg19) VCF-style: chr4-106156384-GGA-G.
Other names: c.1287_1288del, p.Val430fs (NM_017628.4); short protein forms V430fs.
Identifiers: ClinVar variation 3682875 (VCV003682875.2).